The following is an entry in ClinVar:

ClinVar aggregate classification (germline): Uncertain significance. Review status: criteria provided, multiple submitters, no conflicts (2 of 4 stars). 2 submissions from 2 submitters: Uncertain significance (2). Last evaluated 2023-09-25.

Submissions (2):

Labcorp Genetics (formerly Invitae), Labcorp
Classification: Uncertain significance. Last evaluated: 2023-09-25. Review status: criteria provided, single submitter. Criteria: Invitae Variant Classification Sherloc (09022015). Collection method: clinical testing. Allele origin: germline.
Comment: This sequence change replaces aspartic acid, which is acidic and polar, with glycine, which is neutral and non-polar, at codon 486 of the CACNA1F protein (p.Asp486Gly). This variant is not present in population databases (gnomAD no frequency). This variant has not been reported in the literature in individuals affected with CACNA1F-related conditions. An algorithm developed to predict the effect of missense changes on protein structure and function (PolyPhen-2) suggests that this variant is likely to be tolerated. Algorithms developed to predict the effect of sequence changes on RNA splicing suggest that this variant may disrupt the consensus splice site. In summary, the available evidence is currently insufficient to determine the role of this variant in disease. Therefore, it has been classified as a Variant of Uncertain Significance.

Blueprint Genetics
Classification: Uncertain significance. Last evaluated: 2021-09-22. Review status: criteria provided, single submitter. Criteria: ACMG Guidelines, 2015. Collection method: clinical testing. Allele origin: germline.

NM_001256789.3(CACNA1F):c.1424A>G (p.Asp475Gly)

Gene: CACNA1F (calcium voltage-gated channel subunit alpha1 F; minus strand). Cytogenetic location: Xp11.23.
Variant type: single nucleotide variant.
Coding change: c.1424A>G on transcript NM_001256789.3 (MANE Select); coding-DNA position 1424, A replaced by G.
Protein change: p.Asp475Gly; replaces aspartic acid 475 with glycine.
Molecular consequence: missense variant.
Genome position (GRCh38, 1-based): chrX:49,226,448, T>C on the plus strand (A>G on the coding strand, the complement: CACNA1F is on the minus strand). VCF-style: chrX-49226448-T-C. GRCh37 (hg19) VCF-style: chrX-49082910-T-C.
Other names: c.1262A>G, p.Asp421Gly (NM_001256790.3); c.1457A>G, p.Asp486Gly (NM_005183.4); short protein forms D475G, D421G, D486G.
Identifiers: ClinVar variation 2762391 (VCV002762391.4), dbSNP rs2519125693, ClinGen allele CA412917311.